The following is an entry in ClinVar:

NM_001376.5(DYNC1H1):c.13885A>G (p.Lys4629Glu)

Gene: DYNC1H1 (dynein cytoplasmic 1 heavy chain 1; plus strand). Cytogenetic location: 14q32.31.
Variant type: single nucleotide variant.
Coding change: c.13885A>G on transcript NM_001376.5 (MANE Select); coding-DNA position 13885, A replaced by G.
Protein change: p.Lys4629Glu; replaces lysine 4629 with glutamic acid.
Molecular consequence: missense variant.
Genome position (GRCh38, 1-based): chr14:102,050,507, A>G. VCF-style: chr14-102050507-A-G. GRCh37 (hg19) VCF-style: chr14-102516844-A-G.
Other names: short protein forms K4629E.
Identifiers: ClinVar variation 2087713 (VCV002087713.4), dbSNP rs1333704330, ClinGen allele CA391052500.

ClinVar aggregate classification (germline): Uncertain significance (1 of 4 stars; one submission).

Conditions:
Charcot-Marie-Tooth disease axonal type 2O. Also called: CHARCOT-MARIE-TOOTH NEUROPATHY, AXONAL, TYPE 2O; CHARCOT-MARIE-TOOTH DISEASE, AXONAL, AUTOSOMAL DOMINANT, TYPE 2O; Charcot-Marie-Tooth disease, axonal, type 20; Charcot-Marie-Tooth Neuropathy Type 2O. Identifiers: Orphanet 284232, MedGen C3280220, MONDO:0013644, OMIM 614228.

Submission:

Labcorp Genetics (formerly Invitae), Labcorp
Classification: Uncertain significance for Charcot-Marie-Tooth disease axonal type 2O. Last evaluated: 2022-01-18. Review status: criteria provided, single submitter. Criteria: Invitae Variant Classification Sherloc (09022015). Collection method: clinical testing. Allele origin: germline.
Comment: In summary, the available evidence is currently insufficient to determine the role of this variant in disease. Therefore, it has been classified as a Variant of Uncertain Significance. Algorithms developed to predict the effect of sequence changes on RNA splicing suggest that this variant may create or strengthen a splice site. Advanced modeling of protein sequence and biophysical properties (such as structural, functional, and spatial information, amino acid conservation, physicochemical variation, residue mobility, and thermodynamic stability) performed at Invitae indicates that this missense variant is not expected to disrupt DYNC1H1 protein function. This variant has not been reported in the literature in individuals affected with DYNC1H1-related conditions. This variant is not present in population databases (gnomAD no frequency). This sequence change replaces lysine, which is basic and polar, with glutamic acid, which is acidic and polar, at codon 4629 of the DYNC1H1 protein (p.Lys4629Glu).